The following is an entry in ClinVar:

ClinVar aggregate classification (germline): Pathogenic (1 of 4 stars; one submission).

Conditions:
Neurofibromatosis, type 1 (NF1). Also called: Peripheral type neurofibromatosis; VON RECKLINGHAUSEN DISEASE; Neurofibromatosis, type I; NEUROFIBROMATOSIS, TYPE I, SOMATIC. Identifiers: Orphanet 636, MedGen C0027831, MONDO:0018975, OMIM 162200. Disease mechanism: loss of function.

Submission:

Labcorp Genetics (formerly Invitae), Labcorp
Classification: Pathogenic for Neurofibromatosis, type 1. Last evaluated: 2024-02-27. Review status: criteria provided, single submitter. Criteria: Invitae Variant Classification Sherloc (09022015). Collection method: clinical testing. Allele origin: germline.
Comment: This sequence change creates a premature translational stop signal (p.Ser2509Phefs*18) in the NF1 gene. It is expected to result in an absent or disrupted protein product. Loss-of-function variants in NF1 are known to be pathogenic (PMID: 10712197, 23913538). This variant is not present in population databases (gnomAD no frequency). This variant has not been reported in the literature in individuals affected with NF1-related conditions. For these reasons, this variant has been classified as Pathogenic.

Literature cited by the submitters: PubMed 10712197; PubMed 23913538.

NM_001042492.3(NF1):c.7589del (p.Ser2530fs)

Gene: NF1 (neurofibromin 1; plus strand). Cytogenetic location: 17q11.2.
Variant type: Deletion.
Coding change: c.7589del on transcript NM_001042492.3 (MANE Select); coding-DNA position 7589, one base deleted (C; older notation c.7589delC).
Protein change: p.Ser2530fs; shifts the reading frame from serine 2530.
Molecular consequence: frameshift variant.
Genome position (GRCh38, 1-based): chr17:31,352,388, C deleted. VCF-style (leftmost placement, unchanged base first): chr17-31352387-TC-T. GRCh37 (hg19) VCF-style: chr17-29679405-TC-T.
Other names: c.7526delC, p.Ser2509Phefs (NM_000267.4); short protein forms S2509fs, S2530fs.
Identifiers: ClinVar variation 3643514 (VCV003643514.2).